The following is an entry in ClinVar:

ClinVar aggregate classification (germline): Uncertain significance. Review status: criteria provided, multiple submitters, no conflicts (2 of 4 stars). 5 submissions from 5 submitters: Uncertain significance (5). Last evaluated 2025-05-14.

Conditions:
Cardiac arrhythmia. Also called: Cardiac rhythm disease; Arrhythmia. Identifiers: MedGen C0003811, MONDO:0007263, HP:0011675.
Cardiovascular phenotype. Identifiers: MedGen CN230736.
Long QT syndrome (LQTS). Identifiers: MedGen C0023976, MeSH D008133, MONDO:0002442. Disease mechanism: loss of function. Inheritance: Various modes of inheritance.

Allele frequency attached by ClinVar (database versions not stated): gnomAD exomes 0.00001.
gnomAD v4.1: 11 of 1,614,230 alleles (0.00068%); highest among the groups gnomAD compares: Middle Eastern, 0.016%; no homozygotes.

Submissions (5):

Labcorp Genetics (formerly Invitae), Labcorp
Classification: Uncertain significance for Long QT syndrome. Last evaluated: 2025-05-14. Review status: criteria provided, single submitter. Criteria: Invitae Variant Classification Sherloc (09022015). Collection method: clinical testing. Allele origin: germline.
Comment: This sequence change replaces leucine, which is neutral and non-polar, with glutamine, which is neutral and polar, at codon 496 of the KCNQ1 protein (p.Leu496Gln). This variant is not present in population databases (gnomAD no frequency). This missense change has been observed in individual(s) with dilated cardiomyopathy (PMID: 25163546). ClinVar contains an entry for this variant (Variation ID: 922770). Invitae Evidence Modeling of protein sequence and biophysical properties (such as structural, functional, and spatial information, amino acid conservation, physicochemical variation, residue mobility, and thermodynamic stability) indicates that this missense variant is not expected to disrupt KCNQ1 protein function with a negative predictive value of 95%. In summary, the available evidence is currently insufficient to determine the role of this variant in disease. Therefore, it has been classified as a Variant of Uncertain Significance.

GeneDx
Classification: Uncertain significance. Last evaluated: 2025-03-31. Review status: criteria provided, single submitter. Criteria: GeneDx Variant Classification Process June 2021. Collection method: clinical testing. Allele origin: germline. Affected: yes.
Comment: Reported in association with dilated cardiomyopathy; however, additional clinical information was not included, and at least one individual harbored a variant in a different gene that may be contributing to the phenotype (PMID: 25163546, 32826072); Not observed in large population cohorts (gnomAD); In silico analysis supports that this missense variant does not alter protein structure/function; This variant is associated with the following publications: (PMID: 32826072, 25163546)

All of Us Research Program, National Institutes of Health
Classification: Uncertain significance for Long QT syndrome. Last evaluated: 2024-09-23. Review status: criteria provided, single submitter. Criteria: ACMG Guidelines, 2015. Collection method: clinical testing. Allele origin: germline. Inheritance: Autosomal dominant inheritance. Observed: 4 variant alleles, 4 heterozygotes.
Comment: This missense variant replaces leucine with glutamine at codon 496 of the KCNQ1 protein. Computational prediction is inconclusive regarding the impact of this variant on protein structure and function (internally defined REVEL score threshold 0.5 < inconclusive < 0.7, PMID: 27666373). To our knowledge, functional studies have not been reported for this variant. This variant has been reported in individual(s) affected with dilated cardiomyopathy (PMID: 25163546). This variant has not been identified in the general population by the Genome Aggregation Database (gnomAD). The available evidence is insufficient to determine the role of this variant in disease conclusively. Therefore, this variant is classified as a Variant of Uncertain Significance.

This study involves interpretation of variants in research participants for the purpose of population health screening. Participant phenotype was not available at the time of variant classification. Additional details can be found in publication PMID: 35346344, PMCID: PMC8962531

Ambry Genetics
Classification: Uncertain significance for Cardiovascular phenotype. Last evaluated: 2024-04-26. Review status: criteria provided, single submitter. Criteria: Ambry Variant Classification Scheme 2023. Collection method: clinical testing. Allele origin: germline.
Comment: The p.L496Q variant (also known as c.1487T>A), located in coding exon 11 of the KCNQ1 gene, results from a T to A substitution at nucleotide position 1487. The leucine at codon 496 is replaced by glutamine, an amino acid with dissimilar properties. This amino acid position is highly conserved in available vertebrate species. In addition, this alteration is predicted to be deleterious by in silico analysis. Based on the available evidence, the clinical significance of this variant remains unclear.

Color Diagnostics, LLC DBA Color Health
Classification: Uncertain significance for Cardiac arrhythmia. Last evaluated: 2022-08-08. Review status: criteria provided, single submitter. Criteria: ACMG Guidelines, 2015. Collection method: clinical testing. Allele origin: germline.
Comment: This missense variant replaces leucine with glutamine at codon 496 of the KCNQ1 protein. Computational prediction is inconclusive regarding the impact of this variant on protein structure and function (internally defined REVEL score threshold 0.5 < inconclusive < 0.7, PMID: 27666373). To our knowledge, functional studies have not been reported for this variant. This variant has been reported in individual(s) affected with dilated cardiomyopathy (PMID: 25163546). This variant has not been identified in the general population by the Genome Aggregation Database (gnomAD). The available evidence is insufficient to determine the role of this variant in disease conclusively. Therefore, this variant is classified as a Variant of Uncertain Significance.

Literature cited by the submitters: PubMed 25163546 (cited by 3 submitters).

NM_000218.3(KCNQ1):c.1487T>A (p.Leu496Gln)

Genes: KCNQ1 (potassium voltage-gated channel subfamily Q member 1; plus strand), KCNQ1OT1 (KCNQ1 opposite strand/antisense transcript 1; minus strand). Cytogenetic location: 11p15.5.
Variant type: single nucleotide variant.
Coding change: c.1487T>A on transcript NM_000218.3 (MANE Select); coding-DNA position 1487, T replaced by A.
Protein change: p.Leu496Gln; replaces leucine 496 with glutamine.
Molecular consequence: missense variant.
Genome position (GRCh38, 1-based): chr11:2,662,054, T>A. VCF-style: chr11-2662054-T-A. GRCh37 (hg19) VCF-style: chr11-2683284-T-A.
Other names: c.1391T>A, p.Leu464Gln (NM_001406836.1); c.1217T>A, p.Leu406Gln (NM_001406837.1); c.947T>A, p.Leu316Gln (NM_001406838.1); c.1106T>A, p.Leu369Gln (NM_181798.2); short protein forms L369Q, L496Q, L406Q, L316Q, L464Q.
Identifiers: ClinVar variation 922770 (VCV000922770.23), dbSNP rs1849967991, ClinGen allele CA379479750.